The following is an entry in ClinVar:

NM_003114.5(SPAG1):c.902A>G (p.Lys301Arg)

Gene: SPAG1 (sperm associated antigen 1; plus strand). Cytogenetic location: 8q22.2.
Variant type: single nucleotide variant.
Coding change: c.902A>G on transcript NM_003114.5 (MANE Select); coding-DNA position 902, A replaced by G.
Protein change: p.Lys301Arg; replaces lysine 301 with arginine.
Molecular consequence: missense variant.
Genome position (GRCh38, 1-based): chr8:100,191,459, A>G. VCF-style: chr8-100191459-A-G. GRCh37 (hg19) VCF-style: chr8-101203687-A-G.
Other names: c.902A>G, p.Lys301Arg (NM_001374321.1, NM_172218.3); short protein forms K301R.
Identifiers: ClinVar variation 579799 (VCV000579799.7), dbSNP rs199515118, ClinGen allele CA4827396.

ClinVar aggregate classification (germline): Uncertain significance. Review status: criteria provided, multiple submitters, no conflicts (2 of 4 stars). 2 submissions from 2 submitters: Uncertain significance (2). Last evaluated 2022-06-23.

Conditions:
Primary ciliary dyskinesia 28. Also called: CILIARY DYSKINESIA, PRIMARY, 28, WITH OR WITHOUT SITUS INVERSUS. Identifiers: Orphanet 244, MedGen C3809706, MONDO:0014216, OMIM 615505.

Allele frequency attached by ClinVar (database versions not stated): gnomAD exomes 0.00001 and 0.00005; ExAC 0.00007; ESP Exome Variant Server 0.00008; gnomAD 0.00013 and 0.00015; TOPMed 0.00022; 1000 Genomes Project 30x 0.00031; 1000 Genomes Project 0.00040.
gnomAD v4.1: 40 of 1,613,786 alleles (0.0025%); highest among the groups gnomAD compares: African/African-American, 0.048%; no homozygotes.

Submissions (2):

Labcorp Genetics (formerly Invitae), Labcorp
Classification: Uncertain significance for Primary ciliary dyskinesia 28. Last evaluated: 2022-06-23. Review status: criteria provided, single submitter. Criteria: Invitae Variant Classification Sherloc (09022015). Collection method: clinical testing. Allele origin: germline.
Comment: This sequence change replaces lysine, which is basic and polar, with arginine, which is basic and polar, at codon 301 of the SPAG1 protein (p.Lys301Arg). This variant is present in population databases (rs199515118, gnomAD 0.05%). This variant has not been reported in the literature in individuals affected with SPAG1-related conditions. ClinVar contains an entry for this variant (Variation ID: 579799). Algorithms developed to predict the effect of missense changes on protein structure and function (SIFT, PolyPhen-2, Align-GVGD) all suggest that this variant is likely to be tolerated. In summary, the available evidence is currently insufficient to determine the role of this variant in disease. Therefore, it has been classified as a Variant of Uncertain Significance.

Breakthrough Genomics
Classification: Uncertain significance. Review status: criteria provided, single submitter. Criteria: ACMG Guidelines, 2015. Collection method: not provided. Allele origin: germline. Inheritance: Autosomal recessive inheritance. Affected: yes.